The following is an entry in ClinVar:

ClinVar aggregate classification (germline): Uncertain significance. Review status: criteria provided, multiple submitters, no conflicts (2 of 4 stars). 3 submissions from 3 submitters: Uncertain significance (3). Last evaluated 2025-03-19.

Conditions:
Schimke immuno-osseous dysplasia (SIOD). Also called: Schimke Immunoosseous Dysplasia. Identifiers: Orphanet 1830, MedGen C0877024, MONDO:0009458, OMIM 242900.
Inborn genetic diseases. Identifiers: MedGen C0950123, MeSH D030342.

Allele frequency attached by ClinVar (database versions not stated): TOPMed below 0.00001; gnomAD 0.00001.
gnomAD v4.1: 9 of 1,613,974 alleles (0.00056%); highest among the groups gnomAD compares: Middle Eastern, 0.016%; no homozygotes.

Submissions (3):

Ambry Genetics
Classification: Uncertain significance for Inborn genetic diseases. Last evaluated: 2025-03-19. Review status: criteria provided, single submitter. Criteria: Ambry Variant Classification Scheme 2023. Collection method: clinical testing. Allele origin: germline.

Labcorp Genetics (formerly Invitae), Labcorp
Classification: Uncertain significance for Schimke immuno-osseous dysplasia. Last evaluated: 2025-03-18. Review status: criteria provided, single submitter. Criteria: Invitae Variant Classification Sherloc (09022015). Collection method: clinical testing. Allele origin: germline.
Comment: This sequence change replaces proline, which is neutral and non-polar, with leucine, which is neutral and non-polar, at codon 105 of the SMARCAL1 protein (p.Pro105Leu). This variant is present in population databases (rs766284659, gnomAD 0.002%). This variant has not been reported in the literature in individuals affected with SMARCAL1-related conditions. ClinVar contains an entry for this variant (Variation ID: 2151638). Invitae Evidence Modeling of protein sequence and biophysical properties (such as structural, functional, and spatial information, amino acid conservation, physicochemical variation, residue mobility, and thermodynamic stability) indicates that this missense variant is not expected to disrupt SMARCAL1 protein function with a negative predictive value of 95%. In summary, the available evidence is currently insufficient to determine the role of this variant in disease. Therefore, it has been classified as a Variant of Uncertain Significance.

Blueprint Genetics
Classification: Uncertain significance. Last evaluated: 2024-02-09. Review status: criteria provided, single submitter. Criteria: ACMG Guidelines, 2015. Collection method: clinical testing. Allele origin: germline.

NM_014140.4(SMARCAL1):c.314C>T (p.Pro105Leu)

Gene: SMARCAL1 (SNF2 related chromatin remodeling annealing helicase 1; plus strand). Cytogenetic location: 2q35.
Variant type: single nucleotide variant.
Coding change: c.314C>T on transcript NM_014140.4 (MANE Select); coding-DNA position 314, C replaced by T.
Protein change: p.Pro105Leu; replaces proline 105 with leucine.
Molecular consequence: missense variant.
Genome position (GRCh38, 1-based): chr2:216,415,018, C>T. VCF-style: chr2-216415018-C-T. GRCh37 (hg19) VCF-style: chr2-217279741-C-T.
Other names: c.314C>T, p.Pro105Leu (NM_001127207.2); short protein forms P105L.
Identifiers: ClinVar variation 2151638 (VCV002151638.4), dbSNP rs766284659, ClinGen allele CA2097579.